The following is an entry in ClinVar:

NM_194291.3(TMEM65):c.587T>C (p.Val196Ala)

Gene: TMEM65 (transmembrane protein 65; minus strand). Cytogenetic location: 8q24.13.
Variant type: single nucleotide variant.
Coding change: c.587T>C on transcript NM_194291.3 (MANE Select); coding-DNA position 587, T replaced by C.
Protein change: p.Val196Ala; replaces valine 196 with alanine.
Molecular consequence: missense variant.
Genome position (GRCh38, 1-based): chr8:124,320,120, A>G on the plus strand (T>C on the coding strand, the complement: TMEM65 is on the minus strand). VCF-style: chr8-124320120-A-G. GRCh37 (hg19) VCF-style: chr8-125332361-A-G.
Other names: p.Val196Ala; short protein forms V196A.
Identifiers: ClinVar variation 4541395 (VCV004541395.1).

ClinVar aggregate classification (germline): Uncertain significance (1 of 4 stars; one submission).

gnomAD v4.1: 19 of 1,613,356 alleles (0.0012%); highest among the groups gnomAD compares: East Asian, 0.0022%; no homozygotes.

Submission:

Mayo Clinic Laboratories, Mayo Clinic
Classification: Uncertain significance. Last evaluated: 2025-06-27. Review status: criteria provided, single submitter. Criteria: ACMG Guidelines, 2015. Collection method: clinical testing. Allele origin: germline. Observed: 1 variant allele.
Comment: BP4_moderate